The following is an entry in ClinVar:

ClinVar aggregate classification (germline): Uncertain significance. Review status: criteria provided, multiple submitters, no conflicts (2 of 4 stars). 3 submissions from 3 submitters: Uncertain significance (3). Last evaluated 2025-05-18.

Conditions:
Cataract 1 multiple types. Also called: CATARACT, DUFFY-LINKED; CATARACT 1, MULTIPLE TYPES, WITH OR WITHOUT MICROCORNEA; CATARACT 1, NUCLEAR PROGRESSIVE; CATARACT 1 WITH MICROCORNEA; CATARACT 1, POSTERIOR SUBCAPSULAR, WITH MICROCORNEA; CATARACT 1, STELLATE NUCLEAR, WITH MICROCORNEA. Identifiers: Orphanet 1377, MedGen C1861828, MONDO:0007285, OMIM 116200.

Allele frequency attached by ClinVar (database versions not stated): TOPMed below 0.00001; ExAC 0.00001.

Submissions (3):

GeneDx
Classification: Uncertain significance. Last evaluated: 2025-05-18. Review status: criteria provided, single submitter. Criteria: GeneDx Variant Classification Process June 2021. Collection method: clinical testing. Allele origin: germline. Affected: yes.
Comment: Nonsense variant predicted to result in protein truncation as the last 9 amino acids are lost; This variant is associated with the following publications: (PMID: 25148791)

Genomic Medicine Center of Excellence, King Faisal Specialist Hospital and Research Centre
Classification: Uncertain significance for Cataract 1 multiple types. Last evaluated: 2024-03-17. Review status: criteria provided, single submitter. Criteria: ACMG Guidelines, 2015. Collection method: research. Allele origin: germline.

Dept. Genetics and Cancer, Menzies Institute for Medical Research, University of Tasmania
Classification: Uncertain significance for Cataract 1 multiple types. Last evaluated: 2023-01-21. Review status: criteria provided, single submitter. Criteria: ACMG Guidelines, 2015. Collection method: curation. Allele origin: germline. Affected: yes.
Comment: Variant identified and curated during a GJA8 specific review of the literature in relation to pediatric or congenital cataract. ACMG-AMP criteria applied: PVS1(Moderate), PM2(Supporting), PP3. Original variant report: PMID:25148791. Gene review and curation guidelines are outlined in: DOI 10.1080/17469899.2023.2160320

Literature cited by the submitters: PubMed 25148791 (cited by Dept. Genetics and Cancer, Menzies Institute for Medical Research, University of Tasmania).

NM_005267.5(GJA8):c.1273C>T (p.Arg425Ter)

Gene: GJA8 (gap junction protein alpha 8; plus strand). Cytogenetic location: 1q21.2.
Variant type: single nucleotide variant.
Coding change: c.1273C>T on transcript NM_005267.5 (MANE Select); coding-DNA position 1273, C replaced by T.
Protein change: p.Arg425Ter; replaces arginine 425 with a stop codon.
Molecular consequence: nonsense.
Genome position (GRCh38, 1-based): chr1:147,909,228, C>T. VCF-style: chr1-147909228-C-T. GRCh37 (hg19) VCF-style: chr1-147381355-C-T.
Other names: c.1273C>T (NM_005267.4); short protein forms R425*.
Identifiers: ClinVar variation 3064099 (VCV003064099.4), dbSNP rs782660172, ClinGen allele CA1066137.